The following is an entry in ClinVar:

NM_182931.3(KMT2E):c.2284A>G (p.Thr762Ala)

Gene: KMT2E (lysine methyltransferase 2E (inactive); plus strand). Cytogenetic location: 7q22.3.
Variant type: single nucleotide variant.
Coding change: c.2284A>G on transcript NM_182931.3 (MANE Select); coding-DNA position 2284, A replaced by G.
Protein change: p.Thr762Ala; replaces threonine 762 with alanine.
Molecular consequence: missense variant.
Genome position (GRCh38, 1-based): chr7:105,105,526, A>G. VCF-style: chr7-105105526-A-G. GRCh37 (hg19) VCF-style: chr7-104745973-A-G.
Other names: c.2284A>G, p.Thr762Ala (NM_001410908.1, NM_018682.4); short protein forms T762A.
Identifiers: ClinVar variation 3702007 (VCV003702007.2).

ClinVar aggregate classification (germline): Uncertain significance (1 of 4 stars; one submission).

gnomAD v4.1: 2 of 1,613,902 alleles (0.00012%); highest among the groups gnomAD compares: Admixed American, 0.0017%; no homozygotes.

Submission:

Labcorp Genetics (formerly Invitae), Labcorp
Classification: Uncertain significance. Last evaluated: 2025-08-18. Review status: criteria provided, single submitter. Criteria: Invitae Variant Classification Sherloc (09022015). Collection method: clinical testing. Allele origin: germline.
Comment: This sequence change replaces threonine, which is neutral and polar, with alanine, which is neutral and non-polar, at codon 762 of the KMT2E protein (p.Thr762Ala). This variant is present in population databases (no rsID available, gnomAD 0.003%). This variant has not been reported in the literature in individuals affected with KMT2E-related conditions. ClinVar contains an entry for this variant (Variation ID: 3702007). Invitae Evidence Modeling of protein sequence and biophysical properties (such as structural, functional, and spatial information, amino acid conservation, physicochemical variation, residue mobility, and thermodynamic stability) has been performed for this missense variant. However, the output from this modeling did not meet the statistical confidence thresholds required to predict the impact of this variant on KMT2E protein function. In summary, the available evidence is currently insufficient to determine the role of this variant in disease. Therefore, it has been classified as a Variant of Uncertain Significance.